The following is an entry in ClinVar:

NM_015512.5(DNAH1):c.8885A>C (p.Lys2962Thr)

Gene: DNAH1 (dynein axonemal heavy chain 1; plus strand). Cytogenetic location: 3p21.1.
Variant type: single nucleotide variant.
Coding change: c.8885A>C on transcript NM_015512.5 (MANE Select); coding-DNA position 8885, A replaced by C.
Protein change: p.Lys2962Thr; replaces lysine 2962 with threonine.
Molecular consequence: missense variant.
Genome position (GRCh38, 1-based): chr3:52,386,735, A>C. VCF-style: chr3-52386735-A-C. GRCh37 (hg19) VCF-style: chr3-52420751-A-C.
Other names: short protein forms K2962T.
Identifiers: ClinVar variation 478506 (VCV000478506.19), dbSNP rs199602894, ClinGen allele CA2435338.

ClinVar aggregate classification (germline): Conflicting classifications of pathogenicity. Review status: criteria provided, conflicting classifications (1 of 4 stars). 7 submissions from 7 submitters: Uncertain significance (5); Likely benign (1). 1 of the submissions does not count toward it. Last evaluated 2025-12-15.

Conditions:
Ciliary dyskinesia, primary, 37 (CILD37). Also called: CILIARY DYSKINESIA, PRIMARY, 37, WITH OR WITHOUT SITUS INVERSUS. Identifiers: MedGen C4539798, MONDO:0033204, OMIM 617577.
Spermatogenic failure 18. Identifiers: MedGen C4539783, MONDO:0054615, OMIM 617576.
DNAH1-related disorder. Also called: DNAH1-related condition.

Allele frequency attached by ClinVar (database versions not stated): 1000 Genomes Project 30x 0.00016; gnomAD exomes 0.00036 and 0.00043; gnomAD 0.00046 and 0.00048; TOPMed 0.00066; ESP Exome Variant Server 0.00074; ExAC 0.00104.
gnomAD v4.1: 622 of 1,589,858 alleles (0.039%); highest among the groups gnomAD compares: Middle Eastern, 0.66%; 1 homozygote.

Submissions (7):

Labcorp Genetics (formerly Invitae), Labcorp
Classification: Likely benign for Ciliary dyskinesia, primary, 37; Spermatogenic failure 18. Last evaluated: 2025-12-15. Review status: criteria provided, single submitter. Criteria: Invitae Variant Classification Sherloc (09022015). Collection method: clinical testing. Allele origin: germline.

Genomic Medicine Center of Excellence, King Faisal Specialist Hospital and Research Centre
Classification: Uncertain significance for Spermatogenic failure 18. Last evaluated: 2025-09-10. Review status: criteria provided, single submitter. Criteria: ACMG Guidelines, 2015. Collection method: clinical testing. Allele origin: germline.

Johns Hopkins Genomics, Johns Hopkins University
Classification: Uncertain significance for Ciliary dyskinesia, primary, 37. Last evaluated: 2025-08-22. Review status: criteria provided, single submitter. Criteria: ACMG Guidelines, 2015. Collection method: clinical testing. Allele origin: germline.
Comment: This DNAH1 missense variant (rs199602894) is present in a large population dataset (gnomAD v4.1.0: 622/1589858 total alleles, MAF 0.03912%, 1 homozygote; Middle Eastern 40/6038 alleles, MAF 0.6625%, 0 homozygotes). This variant has been reported in ClinVar (Variation ID 478506), but has not been reported in the literature in individuals with primary ciliary dyskinesia, to our knowledge. Of three bioinformatics tools queried, one predicts that the substitution would be damaging, one predicts that it would be tolerated, and one predicts an uncertain effect. The lysine residue at this position is evolutionarily conserved across most vertebrate species assessed. Due to insufficient evidence, we consider the clinical significance of c.8885A>C to be uncertain at this time.

Blueprint Genetics
Classification: Uncertain significance. Last evaluated: 2024-11-04. Review status: criteria provided, single submitter. Criteria: ACMG Guidelines, 2015. Collection method: clinical testing. Allele origin: germline.

ARUP Laboratories, Molecular Genetics and Genomics, ARUP Laboratories
Classification: Uncertain significance. Last evaluated: 2024-02-16. Review status: criteria provided, single submitter. Criteria: ARUP Molecular Germline Variant Investigation Process 2024. Collection method: clinical testing. Allele origin: germline.
Comment: The DNAH1 c.8885A>C; p.Lys2962Thr variant (rs199602894), to our knowledge, is not reported in the medical literature but is reported in ClinVar (Variation ID: 478506). This variant is observed in the general population with an overall allele frequency of 0.04% (94/237354 alleles) in the Genome Aggregation Database (v2.1.1). Computational analyses are uncertain whether this variant is neutral or deleterious (REVEL: 0.515). Due to limited information, the clinical significance of this variant is uncertain at this time.

GeneDx
Classification: Uncertain significance. Last evaluated: 2022-12-15. Review status: criteria provided, single submitter. Criteria: GeneDx Variant Classification Process June 2021. Collection method: clinical testing. Allele origin: germline. Affected: yes.
Comment: Has not been previously published as pathogenic or benign to our knowledge; In silico analysis supports that this missense variant has a deleterious effect on protein structure/function; Reported in ClinVar (ClinVar Variant ID# 478506; ClinVar)

PreventionGenetics, part of Exact Sciences
Classification: Likely benign for DNAH1-related condition. Last evaluated: 2022-12-01. Review status: no assertion criteria provided. Collection method: clinical testing. Allele origin: germline. Not counted in ClinVar's aggregate classification.
Comment: This variant is classified as likely benign based on ACMG/AMP sequence variant interpretation guidelines (Richards et al. 2015 PMID: 25741868, with internal and published modifications).

Literature cited by the submitters: PubMed 40070865 (cited by Johns Hopkins Genomics, Johns Hopkins University).